The following is an entry in ClinVar:

ClinVar aggregate classification (germline): Uncertain significance. Review status: criteria provided, multiple submitters, no conflicts (2 of 4 stars). 3 submissions from 3 submitters: Uncertain significance (3). Last evaluated 2025-06-23.

Conditions:
RYR1-related disorder. Also called: RYR1-related condition; RYR1-related disorders. Identifiers: MedGen CN239331.
Malignant hyperthermia, susceptibility to, 1 (MHS1). Also called: RYR1-Related Malignant Hyperthermia Susceptibility; Malignant hyperthermia suceptibility 1; Anesthesia related hyperthermia; Malignant hyperpyrexia; Fulminating hyperpyrexia; Pharmacogenic myopathy. Identifiers: Orphanet 423, MedGen C2930980, MONDO:0007783, OMIM 145600.

Allele frequency attached by ClinVar (database versions not stated): gnomAD exomes below 0.00001; ExAC 0.00001; TOPMed 0.00001; gnomAD 0.00002 and 0.00003.
gnomAD v4.1: 5 of 1,612,392 alleles (0.00031%); highest among the groups gnomAD compares: African/African-American, 0.0067%; no homozygotes.

Submissions (3):

Color Diagnostics, LLC DBA Color Health
Classification: Uncertain significance for Malignant hyperthermia, susceptibility to, 1. Last evaluated: 2025-06-23. Review status: criteria provided, single submitter. Criteria: ACMG Guidelines, 2015. Collection method: clinical testing. Allele origin: germline.
Comment: This missense variant replaces aspartic acid with glutamic acid at codon 1689 of the RYR1 protein. Computational prediction is inconclusive regarding the impact of this variant on protein structure and function. To our knowledge, functional studies have not been reported for this variant. This variant has not been reported in individuals affected with RYR1-related disorders in the literature. This variant has been identified in 2/278672 chromosomes in the general population by the Genome Aggregation Database (gnomAD). The available evidence is insufficient to determine the role of this variant in disease conclusively. Therefore, this variant is classified as a Variant of Uncertain Significance.

All of Us Research Program, National Institutes of Health
Classification: Uncertain significance for Malignant hyperthermia, susceptibility to, 1. Last evaluated: 2023-12-01. Review status: criteria provided, single submitter. Criteria: ACMG Guidelines, 2015. Collection method: clinical testing. Allele origin: germline. Inheritance: Autosomal dominant inheritance. Observed: 1 variant allele, 1 heterozygote.
Comment: This study involves interpretation of variants in research participants for the purpose of population health screening. Participant phenotype was not available at the time of variant classification. Additional details can be found in publication PMID: 35346344, PMCID: PMC8962531

Labcorp Genetics (formerly Invitae), Labcorp
Classification: Uncertain significance for RYR1-related disorder. Last evaluated: 2022-03-08. Review status: criteria provided, single submitter. Criteria: Invitae Variant Classification Sherloc (09022015). Collection method: clinical testing. Allele origin: germline.
Comment: This sequence change replaces aspartic acid, which is acidic and polar, with glutamic acid, which is acidic and polar, at codon 1689 of the RYR1 protein (p.Asp1689Glu). This variant is present in population databases (rs777209922, gnomAD 0.008%). This variant has not been reported in the literature in individuals affected with RYR1-related conditions. Advanced modeling of protein sequence and biophysical properties (such as structural, functional, and spatial information, amino acid conservation, physicochemical variation, residue mobility, and thermodynamic stability) performed at Invitae indicates that this missense variant is expected to disrupt RYR1 protein function. In summary, the available evidence is currently insufficient to determine the role of this variant in disease. Therefore, it has been classified as a Variant of Uncertain Significance.

NM_000540.3(RYR1):c.5067C>G (p.Asp1689Glu)

Gene: RYR1 (ryanodine receptor 1; plus strand). Cytogenetic location: 19q13.2.
Variant type: single nucleotide variant.
Coding change: c.5067C>G on transcript NM_000540.3 (MANE Select); coding-DNA position 5067, C replaced by G.
Protein change: p.Asp1689Glu; replaces aspartic acid 1689 with glutamic acid.
Molecular consequence: missense variant.
Genome position (GRCh38, 1-based): chr19:38,485,722, C>G. VCF-style: chr19-38485722-C-G. GRCh37 (hg19) VCF-style: chr19-38976362-C-G.
Other names: c.5067C>G, p.Asp1689Glu (NM_001042723.2); short protein forms D1689E.
Identifiers: ClinVar variation 1358132 (VCV001358132.5), dbSNP rs777209922, ClinGen allele CA066646.